The following is an entry in ClinVar:

NM_000806.5(GABRA1):c.-438del

Gene: GABRA1 (gamma-aminobutyric acid type A receptor subunit alpha1; plus strand). Cytogenetic location: 5q34.
Variant type: Deletion.
Coding change: c.-438del on transcript NM_000806.5; 438 bases upstream of the start codon, one base deleted (A; older notation c.-438delA).
Molecular consequence: 5 prime UTR variant.
Genome position (GRCh38, 1-based): chr5:161,847,221, A deleted; the last of 4 consecutive A bases (chr5:161,847,218-161,847,221); deleting any one gives the same sequence. VCF-style (leftmost placement, unchanged base first): chr5-161847217-GA-G. GRCh37 (hg19) VCF-style: chr5-161274223-GA-G.
Identifiers: ClinVar variation 352584 (VCV000352584.35), dbSNP rs112361424, ClinGen allele CA10624011.

ClinVar aggregate classification (germline): Likely benign (1 of 4 stars; one submission).

Submission:

CeGaT Center for Human Genetics Tuebingen
Classification: Likely benign. Last evaluated: 2022-05-01. Review status: criteria provided, single submitter. Criteria: CeGaT Center For Human Genetics Tuebingen Variant Classification Criteria Version 2. Collection method: clinical testing. Allele origin: germline. Affected: yes. Observed: 1 variant allele.
Comment: GABRA1: BP4, BS1